The following is an entry in ClinVar:

ClinVar aggregate classification (germline): Uncertain significance (1 of 4 stars; one submission).

Conditions:
Peroxisome biogenesis disorder 11A (Zellweger). Also called: Peroxisome biogenesis disorder 11A. Identifiers: Orphanet 912, MedGen C3554000, MONDO:0013949, OMIM 614883.

Allele frequency attached by ClinVar (database versions not stated): gnomAD 0.00002 and 0.00003; TOPMed 0.00002; gnomAD exomes 0.00003; ExAC 0.00004; ESP Exome Variant Server 0.00008.
gnomAD v4.1: 30 of 1,612,984 alleles (0.0019%); highest among the groups gnomAD compares: South Asian, 0.0066%; no homozygotes.

Submission:

Labcorp Genetics (formerly Invitae), Labcorp
Classification: Uncertain significance for Peroxisome biogenesis disorder 11A (Zellweger). Last evaluated: 2023-10-28. Review status: criteria provided, single submitter. Criteria: Invitae Variant Classification Sherloc (09022015). Collection method: clinical testing. Allele origin: germline.
Comment: This sequence change replaces arginine, which is basic and polar, with glutamine, which is neutral and polar, at codon 294 of the PEX13 protein (p.Arg294Gln). This variant is present in population databases (rs377426614, gnomAD 0.02%). This variant has not been reported in the literature in individuals affected with PEX13-related conditions. ClinVar contains an entry for this variant (Variation ID: 853028). Advanced modeling of protein sequence and biophysical properties (such as structural, functional, and spatial information, amino acid conservation, physicochemical variation, residue mobility, and thermodynamic stability) performed at Invitae indicates that this missense variant is not expected to disrupt PEX13 protein function with a negative predictive value of 80%. This variant disrupts the p.Arg294 amino acid residue in PEX13. Other variant(s) that disrupt this residue have been determined to be pathogenic (PMID: 35854306). This suggests that this residue is clinically significant, and that variants that disrupt this residue are likely to be disease-causing. In summary, the available evidence is currently insufficient to determine the role of this variant in disease. Therefore, it has been classified as a Variant of Uncertain Significance.

Literature cited by the submitters: PubMed 35854306.

NM_002618.4(PEX13):c.881G>A (p.Arg294Gln)

Gene: PEX13 (peroxisomal biogenesis factor 13; plus strand). Cytogenetic location: 2p15.
Variant type: single nucleotide variant.
Coding change: c.881G>A on transcript NM_002618.4 (MANE Select); coding-DNA position 881, G replaced by A.
Protein change: p.Arg294Gln; replaces arginine 294 with glutamine.
Molecular consequence: missense variant.
Genome position (GRCh38, 1-based): chr2:61,045,819, G>A. VCF-style: chr2-61045819-G-A. GRCh37 (hg19) VCF-style: chr2-61272954-G-A.
Other names: short protein forms R294Q.
Identifiers: ClinVar variation 853028 (VCV000853028.7), dbSNP rs377426614, ClinGen allele CA1673369.